The following is an entry in ClinVar:

ClinVar aggregate classification (germline): Uncertain significance (1 of 4 stars; one submission).

Conditions:
Mitochondrial short-chain Enoyl-Coa hydratase 1 deficiency. Also called: PxMD-ECHS1; Mitochondrial Short-Chain Enoyl-CoA Hydratase Deficiency; ECHS1 deficiency. Identifiers: Orphanet 255241, Orphanet 653880, MedGen C4225391, MONDO:0014563, OMIM 616277.

Submission:

Laboratorio de Genetica e Diagnostico Molecular, Hospital Israelita Albert Einstein
Classification: Uncertain significance for Mitochondrial short-chain Enoyl-Coa hydratase 1 deficiency. Last evaluated: 2022-09-23. Review status: criteria provided, single submitter. Criteria: ACMG Guidelines, 2015. Collection method: clinical testing. Allele origin: germline. Affected: yes. Observed: 1 variant allele.
Comment: ACMG classification criteria: PM2 moderated, PP3 supporting

NM_004092.4(ECHS1):c.440T>C (p.Met147Thr)

Gene: ECHS1 (enoyl-CoA hydratase, short chain 1; minus strand). Cytogenetic location: 10q26.3.
Variant type: single nucleotide variant.
Coding change: c.440T>C on transcript NM_004092.4 (MANE Select); coding-DNA position 440, T replaced by C.
Protein change: p.Met147Thr; replaces methionine 147 with threonine.
Molecular consequence: missense variant.
Genome position (GRCh38, 1-based): chr10:133,368,997, A>G on the plus strand (T>C on the coding strand, the complement: ECHS1 is on the minus strand). VCF-style: chr10-133368997-A-G. GRCh37 (hg19) VCF-style: chr10-135182501-A-G.
Other names: short protein forms M147T.
Identifiers: ClinVar variation 2431497 (VCV002431497.1), dbSNP rs1849070134, ClinGen allele CA378820830.